The following is an entry in ClinVar:

ClinVar aggregate classification (germline): Conflicting classifications of pathogenicity. Review status: criteria provided, conflicting classifications (1 of 4 stars). 3 submissions from 3 submitters: Uncertain significance (1); Benign (2). Last evaluated 2025-08-04.

Conditions:
Cardiovascular phenotype. Identifiers: MedGen CN230736.
Aortic valve disease 2 (AOVD2). Identifiers: MedGen C3542024, MONDO:0013902, OMIM 614823.
Holt-Oram syndrome (HOS). Also called: Ventriculo-radial syndrome; Cardiac-limb syndrome; Heart-hand syndrome, type 1; TBX5-Related Holt-Oram Syndrome. Identifiers: Orphanet 392, MedGen C0265264, MONDO:0007732, OMIM 142900.

Allele frequency attached by ClinVar (database versions not stated): gnomAD exomes 0.00018 and 0.00008; 1000 Genomes Project 0.00040; 1000 Genomes Project 30x 0.00047; gnomAD 0.00001 and 0.00003; TOPMed 0.00006; ExAC 0.00016.

Submissions (3):

Labcorp Genetics (formerly Invitae), Labcorp
Classification: Benign for Aortic valve disease 2. Last evaluated: 2025-08-04. Review status: criteria provided, single submitter. Criteria: Invitae Variant Classification Sherloc (09022015). Collection method: clinical testing. Allele origin: germline.

Ambry Genetics
Classification: Uncertain significance for Cardiovascular phenotype. Last evaluated: 2021-11-15. Review status: criteria provided, single submitter. Criteria: Ambry Variant Classification Scheme 2023. Collection method: clinical testing. Allele origin: germline.

Illumina Laboratory Services, Illumina
Classification: Benign for Holt-Oram syndrome. Last evaluated: 2018-01-13. Review status: criteria provided, single submitter. Criteria: ICSL Variant Classification Criteria 13 December 2019. Collection method: clinical testing. Allele origin: germline.
Comment: This variant was observed in the ICSL laboratory as part of a predisposition screen in an ostensibly healthy population. It had not been previously curated by ICSL or reported in the Human Gene Mutation Database (HGMD: prior to June 1st, 2018), and was therefore a candidate for classification through an automated scoring system. Utilizing variant allele frequency, disease prevalence and penetrance estimates, and inheritance mode, an automated score was calculated to assess if this variant is too frequent to cause the disease. Based on the score and internal cut-off values, a variant classified as benign is not then subjected to further curation. The score for this variant resulted in a classification of benign for this disease.

NM_181486.4(TBX5):c.769G>A (p.Val257Met)

Gene: TBX5 (T-box transcription factor 5; minus strand). Cytogenetic location: 12q24.21.
Variant type: single nucleotide variant.
Coding change: c.769G>A on transcript NM_181486.4 (MANE Select); coding-DNA position 769, G replaced by A.
Protein change: p.Val257Met; replaces valine 257 with methionine.
Molecular consequence: missense variant.
Genome position (GRCh38, 1-based): chr12:114,366,378, C>T on the plus strand (G>A on the coding strand, the complement: TBX5 is on the minus strand). VCF-style: chr12-114366378-C-T. GRCh37 (hg19) VCF-style: chr12-114804183-C-T.
Other names: c.769G>A, p.Val257Met (NM_000192.3); c.619G>A, p.Val207Met (NM_080717.4); short protein forms V257M, V207M.
Identifiers: ClinVar variation 881273 (VCV000881273.13), dbSNP rs200382742, ClinGen allele CA6809502.